The following is an entry in ClinVar:

ClinVar aggregate classification (germline): Uncertain significance (1 of 4 stars; one submission).

gnomAD v4.1: 1 of 1,613,208 alleles (0.000062%); highest among the groups gnomAD compares: South Asian, 0.0011%; no homozygotes.

Submission:

Women's Health and Genetics/Laboratory Corporation of America, LabCorp
Classification: Uncertain significance. Last evaluated: 2026-05-28. Review status: criteria provided, single submitter. Criteria: LabCorp Variant Classification Summary - May 2015. Collection method: clinical testing. Allele origin: germline.
Comment: Variant summary: COL6A2 c.259C>A (p.Leu87Met) results in a conservative amino acid change in the encoded protein sequence. Algorithms developed to predict the effect of missense changes on protein structure and function are either unavailable or do not agree on the potential impact of this missense change. The variant allele was found at a frequency of 4e-06 in 250828 control chromosomes. The available data on variant occurrences in the general population are insufficient to allow any conclusion about variant significance. To our knowledge, no occurrence of c.259C>A in individuals affected with COL6A2-related conditions and no experimental evidence demonstrating its impact on protein function have been reported. No submitters have cited clinical-significance assessments for this variant to ClinVar. Based on the evidence outlined above, the variant was classified as uncertain significance.

NM_001849.4(COL6A2):c.259C>A (p.Leu87Met)

Gene: COL6A2 (collagen type VI alpha 2 chain; plus strand). Cytogenetic location: 21q22.3.
Variant type: single nucleotide variant.
Coding change: c.259C>A on transcript NM_001849.4 (MANE Select); coding-DNA position 259, C replaced by A.
Protein change: p.Leu87Met; replaces leucine 87 with methionine.
Molecular consequence: missense variant.
Genome position (GRCh38, 1-based): chr21:46,112,122, C>A. VCF-style: chr21-46112122-C-A. GRCh37 (hg19) VCF-style: chr21-47532036-C-A.
Other names: c.259C>A, p.Leu87Met (NM_058174.3, NM_058175.3); short protein forms L87M.
Identifiers: ClinVar variation 4853347 (VCV004853347.1).
Genomic context (GRCh38, chr21:46,112,122, plus strand): 5'-CTCTTCCACATGAAGCAGTTCGTGCCGCAGTTCATCAGCCAGCTGCAGAACGAGTTCTAC[C>A]TGGACCAGGTGGCGCTGAGCTGGCGCTACGGCGGCCTGCACTTCTCTGACCAGGTGGAGG-3'
Protein context (NP_001840.3, residues 77-97): FISQLQNEFY[Leu87Met]DQVALSWRYG